The following is an entry in ClinVar:

NM_006514.4(SCN10A):c.3647A>G (p.Asn1216Ser)

Gene: SCN10A (sodium voltage-gated channel alpha subunit 10; minus strand). Cytogenetic location: 3p22.2.
Variant type: single nucleotide variant.
Coding change: c.3647A>G on transcript NM_006514.4 (MANE Select); coding-DNA position 3647, A replaced by G.
Protein change: p.Asn1216Ser; replaces asparagine 1216 with serine.
Molecular consequence: missense variant.
Genome position (GRCh38, 1-based): chr3:38,718,687, T>C on the plus strand (A>G on the coding strand, the complement: SCN10A is on the minus strand). VCF-style: chr3-38718687-T-C. GRCh37 (hg19) VCF-style: chr3-38760178-T-C.
Other names: c.3644A>G, p.Asn1215Ser (NM_001293306.2); c.3353A>G, p.Asn1118Ser (NM_001293307.2); short protein forms N1215S, N1216S, N1118S.
Identifiers: ClinVar variation 2512996 (VCV002512996.4), dbSNP rs1366834332, ClinGen allele CA352152852.
Genomic context (GRCh38, chr3:38,718,687, plus strand): 5'-CCACGTGTTCCCACTGAGCCACTCACATTCACAATGAGGAAGTCCAGCCAGCACCAGGCA[T>C]TGGTGAAGTACTTTTTGAAGCCATAGGCCACCCACTTAAGCAGCATCTCGAACACAAAGA-3'
Protein context (NP_006505.4, residues 1206-1226): VAYGFKKYFT[Asn1216Ser]AWCWLDFLIV

ClinVar aggregate classification (germline): Uncertain significance. Review status: criteria provided, multiple submitters, no conflicts (2 of 4 stars). 2 submissions from 2 submitters: Uncertain significance (2). Last evaluated 2026-08-29.

Conditions:
Brugada syndrome. Also called: Sudden Unexplained Death Syndrome; Sudden Unexplained Nocturnal Death Syndrome (SUNDS); Sudden unexpected nocturnal death syndrome; Sudden unexplained nocturnal death syndrome. Identifiers: Orphanet 130, MedGen C1142166, MONDO:0015263.
Cardiovascular phenotype. Identifiers: MedGen CN230736.

gnomAD v4.1: 1 of 1,614,138 alleles (0.000062%); no homozygotes.

Submissions (2):

Ambry Genetics
Classification: Uncertain significance for Cardiovascular phenotype. Last evaluated: 2026-08-29. Review status: criteria provided, single submitter. Criteria: Ambry Variant Classification Scheme 2023. Collection method: clinical testing. Allele origin: germline.
Comment: The p.N1216S variant (also known as c.3647A>G), located in coding exon 20 of the SCN10A gene, results from an A to G substitution at nucleotide position 3647. The asparagine at codon 1216 is replaced by serine, an amino acid with highly similar properties. This amino acid position is conserved. In addition, this alteration is predicted to be tolerated by in silico analysis. Based on the available evidence, the clinical significance of this variant remains unclear.

Labcorp Genetics (formerly Invitae), Labcorp
Classification: Uncertain significance for Brugada syndrome. Last evaluated: 2025-07-25. Review status: criteria provided, single submitter. Criteria: Invitae Variant Classification Sherloc (09022015). Collection method: clinical testing. Allele origin: germline.
Comment: This sequence change replaces asparagine, which is neutral and polar, with serine, which is neutral and polar, at codon 1216 of the SCN10A protein (p.Asn1216Ser). This variant is present in population databases (no rsID available, gnomAD no frequency). This variant has not been reported in the literature in individuals affected with SCN10A-related conditions. ClinVar contains an entry for this variant (Variation ID: 2512996). Invitae Evidence Modeling of protein sequence and biophysical properties (such as structural, functional, and spatial information, amino acid conservation, physicochemical variation, residue mobility, and thermodynamic stability) indicates that this missense variant is not expected to disrupt SCN10A protein function with a negative predictive value of 80%. In summary, the available evidence is currently insufficient to determine the role of this variant in disease. Therefore, it has been classified as a Variant of Uncertain Significance.